The following is an entry in ClinVar:

ClinVar aggregate classification (germline): Benign/Likely benign. Review status: criteria provided, multiple submitters, no conflicts (2 of 4 stars). 3 submissions from 3 submitters: Benign (1); Likely benign (1). 1 of the submissions does not count toward it. Last evaluated 2026-01-25.

Conditions:
Plasma factor XI deficiency.
F11-related disorder. Also called: F11-related condition.

Allele frequency attached by ClinVar (database versions not stated): gnomAD exomes 0.00008 and 0.00017; ExAC 0.00025; 1000 Genomes Project 30x 0.00031; 1000 Genomes Project 0.00040; ESP Exome Variant Server 0.00092; gnomAD 0.00104 and 0.00115; TOPMed 0.00114.

Submissions (3):

Labcorp Genetics (formerly Invitae), Labcorp
Classification: Benign. Last evaluated: 2026-01-25. Review status: criteria provided, single submitter. Criteria: Invitae Variant Classification Sherloc (09022015). Collection method: clinical testing. Allele origin: germline.

PreventionGenetics, part of Exact Sciences
Classification: Likely benign for F11-related condition. Last evaluated: 2025-11-05. Review status: criteria provided, single submitter. Criteria: ACMG Guidelines, 2015. Collection method: clinical testing. Allele origin: germline.
Comment: This variant is classified as likely benign based on ACMG/AMP sequence variant interpretation guidelines (Richards et al. 2015 PMID: 25741868, with internal and published modifications).

Natera, Inc.
Classification: Benign for Plasma factor XI deficiency. Last evaluated: 2019-10-21. Review status: no assertion criteria provided. Collection method: clinical testing. Allele origin: germline. Not counted in ClinVar's aggregate classification.

NM_000128.4(F11):c.1599G>A (p.Gln533=)

Genes: F11 (coagulation factor XI; plus strand), F11-AS1 (F11 antisense RNA 1; minus strand). Cytogenetic location: 4q35.2.
Variant type: single nucleotide variant.
Coding change: c.1599G>A on transcript NM_000128.4 (MANE Select); coding-DNA position 1599, G replaced by A.
Protein change: p.Gln533=; no amino-acid change (glutamine 533 retained).
Molecular consequence: synonymous variant.
Genome position (GRCh38, 1-based): chr4:186,287,706, G>A. VCF-style: chr4-186287706-G-A. GRCh37 (hg19) VCF-style: chr4-187208860-G-A.
Other names: c.1599G>A (NM_000128.3).
Identifiers: ClinVar variation 1169452 (VCV001169452.11), dbSNP rs4253861, ClinGen allele CA3164054.